The following is an entry in ClinVar:

NC_000023.11:g.(?_15321486)_(15335533_?)dup

Gene: PIGA (phosphatidylinositol glycan anchor biosynthesis class A; minus strand). Cytogenetic location: Xp22.2.
Variant type: Duplication.
Identifiers: ClinVar variation 831223 (VCV000831223.1).

ClinVar aggregate classification (germline): Uncertain significance (1 of 4 stars; one submission).

Conditions:
Multiple congenital anomalies-hypotonia-seizures syndrome 2 (MCAHS2). Also called: EPILEPTIC ENCEPHALOPATHY, EARLY INFANTILE, 20; GLYCOSYLPHOSPHATIDYLINOSITOL BIOSYNTHESIS DEFECT 4. Identifiers: Orphanet 300496, MedGen C3275508, MONDO:0010466, OMIM 300868.

Submission:

Labcorp Genetics (formerly Invitae), Labcorp
Classification: Uncertain significance for Multiple congenital anomalies-hypotonia-seizures syndrome 2. Last evaluated: 2019-08-30. Review status: criteria provided, single submitter. Criteria: Invitae Variant Classification Sherloc (09022015). Collection method: clinical testing. Allele origin: germline.
Comment: This variant results in a copy number gain of the genomic region encompassing the full coding sequence of the PIGA gene. The boundaries of this event are unknown as they extend beyond the assayed region for this gene and therefore may encompass additional genes. As the precise location of this event is unknown, it may be in tandem or it may be located elsewhere in the genome. This variant has not been reported in the literature in individuals with PIGA-related conditions. In summary, the available evidence is currently insufficient to determine the role of this variant in disease. Therefore, it has been classified as a Variant of Uncertain Significance.